The following is an entry in ClinVar:

ClinVar aggregate classification (germline): Likely pathogenic (1 of 4 stars; one submission).

Conditions:
Autosomal recessive congenital ichthyosis 10 (ARCI10). Identifiers: Orphanet 79394, MedGen C3554355, MONDO:0014011, OMIM 615024.

Submission:

Genetics Department, University Hospital of Toulouse
Classification: Likely pathogenic for Autosomal recessive congenital ichthyosis 10. Last evaluated: 2025-05-19. Review status: criteria provided, single submitter. Criteria: ACMG Guidelines, 2015. Collection method: clinical testing, in vitro. Allele origin: germline, not applicable. Inheritance: Autosomal recessive inheritance. Affected: yes.
Comment: The variant NM_001374623.1(PNPLA1):c.485C>G is absent from population databases (dbSNP, gnomAD). It is a missense variant predicted to result in the substitution of a highly conserved proline with an arginine within the conserved patatin-like domain of the protein. Multiple lines of computational evidence support a deleterious effect on the gene product. This variant has been reported in the homozygous or hemizygous state in one affected individual with Autosomal Recessive Congenital Ichthyosis (ARCI10; OMIM #615024), and an in vitro functional study supports a damaging effect on the gene product (Pell et al., submitted). Based on this evidence, the variant is classified as likely pathogenic.

NM_001374623.1(PNPLA1):c.485C>G (p.Pro162Arg)

Gene: PNPLA1 (patatin like domain 1, omega-hydroxyceramide transacylase; plus strand). Cytogenetic location: 6p21.31.
Variant type: single nucleotide variant.
Coding change: c.485C>G on transcript NM_001374623.1 (MANE Select); coding-DNA position 485, C replaced by G.
Protein change: p.Pro162Arg; replaces proline 162 with arginine.
Molecular consequence: missense variant.
Genome position (GRCh38, 1-based): chr6:36,293,107, C>G. VCF-style: chr6-36293107-C-G. GRCh37 (hg19) VCF-style: chr6-36260884-C-G.
Other names: c.200C>G, p.Pro67Arg (NM_001145716.2, NM_173676.2); c.485C>G, p.Pro162Arg (NM_001145717.1); short protein forms P162R, P67R.
Identifiers: ClinVar variation 3900744 (VCV003900744.1).
Genomic context (GRCh38, chr6:36,293,107, plus strand): 5'-TTCTCTCCGCACAGGCCCTATACTGCAGCTGCTTCGTCCCGGTGTACTGTGGCCTCATCC[C>G]CCCGACTTACCGCGGTGTGGTGAGTGCTTCGGCATGGTGAGGGGTGAGATGGGATCCAAG-3'
Protein context (NP_001361552.1, residues 152-172): CFVPVYCGLI[Pro162Arg]PTYRGVRYID